The following is an entry in ClinVar:

ClinVar aggregate classification (germline): Uncertain significance. Review status: criteria provided, multiple submitters, no conflicts (2 of 4 stars). 3 submissions from 3 submitters: Uncertain significance (3). Last evaluated 2025-06-12.

Conditions:
Inborn genetic diseases. Identifiers: MedGen C0950123, MeSH D030342.
Occipital pachygyria and polymicrogyria. Identifiers: Orphanet 280640, MedGen C3279875, MONDO:0013583, OMIM 614115.

Allele frequency attached by ClinVar (database versions not stated): gnomAD exomes 0.00002; TOPMed 0.00003; ExAC 0.00005; gnomAD 0.00006.
gnomAD v4.1: 120 of 1,550,898 alleles (0.0077%); highest among the groups gnomAD compares: Non-Finnish European, 0.01%; no homozygotes.

Submissions (3):

Labcorp Genetics (formerly Invitae), Labcorp
Classification: Uncertain significance. Last evaluated: 2025-06-12. Review status: criteria provided, single submitter. Criteria: Invitae Variant Classification Sherloc (09022015). Collection method: clinical testing. Allele origin: germline.
Comment: This sequence change replaces glutamic acid, which is acidic and polar, with aspartic acid, which is acidic and polar, at codon 537 of the LAMC3 protein (p.Glu537Asp). This variant is present in population databases (rs772723882, gnomAD 0.01%). This variant has not been reported in the literature in individuals affected with LAMC3-related conditions. ClinVar contains an entry for this variant (Variation ID: 1030068). An algorithm developed to predict the effect of missense changes on protein structure and function outputs the following: PolyPhen-2: "Benign". The aspartic acid amino acid residue is found in multiple mammalian species, which suggests that this missense change does not adversely affect protein function. In summary, the available evidence is currently insufficient to determine the role of this variant in disease. Therefore, it has been classified as a Variant of Uncertain Significance.

Ambry Genetics
Classification: Uncertain significance for Inborn genetic diseases. Last evaluated: 2024-05-13. Review status: criteria provided, single submitter. Criteria: Ambry Variant Classification Scheme 2023. Collection method: clinical testing. Allele origin: germline.

Baylor Genetics
Classification: Uncertain significance for Occipital pachygyria and polymicrogyria. Last evaluated: 2019-06-20. Review status: criteria provided, single submitter. Criteria: ACMG Guidelines, 2015. Collection method: clinical testing. Allele origin: unknown. Affected: yes.
Comment: This variant was determined to be of uncertain significance according to ACMG Guidelines, 2015 [PMID:25741868].

NM_006059.4(LAMC3):c.1611G>C (p.Glu537Asp)

Gene: LAMC3 (laminin subunit gamma 3; plus strand). Cytogenetic location: 9q34.12.
Variant type: single nucleotide variant.
Coding change: c.1611G>C on transcript NM_006059.4 (MANE Select); coding-DNA position 1611, G replaced by C.
Protein change: p.Glu537Asp; replaces glutamic acid 537 with aspartic acid.
Molecular consequence: missense variant.
Genome position (GRCh38, 1-based): chr9:131,049,111, G>C. VCF-style: chr9-131049111-G-C. GRCh37 (hg19) VCF-style: chr9-133924498-G-C.
Other names: short protein forms E537D.
Identifiers: ClinVar variation 1030068 (VCV001030068.6), dbSNP rs772723882, ClinGen allele CA5287137.
Genomic context (GRCh38, chr9:131,049,111, plus strand): 5'-GGGCTCTGAGCACCCCCCACAATGGAGCCCAAATGGGGTCCTCCTGAGCCCAGAAGACGA[G>C]GAGGAGCTCACAGCACCAGGTACCTCCAGCACCAGGTGGGGGCTGGCCGCCCTGTGTCGG-3'
Protein context (NP_006050.3, residues 527-547): PNGVLLSPED[Glu537Asp]EELTAPEKFL